The following is an entry in ClinVar:

NM_176787.5(PIGN):c.2181-2A>G

Gene: PIGN (phosphatidylinositol glycan anchor biosynthesis class N; minus strand). Cytogenetic location: 18q21.33.
Variant type: single nucleotide variant.
Coding change: c.2181-2A>G on transcript NM_176787.5 (MANE Select); the canonical splice acceptor site of the intron before coding-DNA position 2181, A replaced by G.
Molecular consequence: splice acceptor variant.
Genome position (GRCh38, 1-based): chr18:62,090,580, T>C on the plus strand (A>G on the coding strand, the complement: PIGN is on the minus strand). VCF-style: chr18-62090580-T-C. GRCh37 (hg19) VCF-style: chr18-59757813-T-C.
Other names: c.2181-2A>G (NM_012327.6).
Identifiers: ClinVar variation 1492789 (VCV001492789.6), dbSNP rs1453224514, ClinGen allele CA402602585.

ClinVar aggregate classification (germline): Likely pathogenic (1 of 4 stars; one submission).

Conditions:
Multiple congenital anomalies-hypotonia-seizures syndrome 1 (MCAHS1). Also called: GLYCOSYLPHOSPHATIDYLINOSITOL BIOSYNTHESIS DEFECT 3; PIGN-CDG; Congenital disorder of glycosylation due to PIGN deficiency. Identifiers: Orphanet 280633, MedGen C3279775, MONDO:0013563, OMIM 614080.

Allele frequency attached by ClinVar (database versions not stated): gnomAD exomes below 0.00001; TOPMed below 0.00001.
gnomAD v4.1: 5 of 1,555,480 alleles (0.00032%); highest among the groups gnomAD compares: Non-Finnish European, 0.00044%; no homozygotes.

Submission:

Labcorp Genetics (formerly Invitae), Labcorp
Classification: Likely pathogenic for Multiple congenital anomalies-hypotonia-seizures syndrome 1. Last evaluated: 2021-08-15. Review status: criteria provided, single submitter. Criteria: Invitae Variant Classification Sherloc (09022015). Collection method: clinical testing. Allele origin: germline.
Comment: In summary, the currently available evidence indicates that the variant is pathogenic, but additional data are needed to prove that conclusively. Therefore, this variant has been classified as Likely Pathogenic. This sequence change affects an acceptor splice site in intron 23 of the PIGN gene. It is expected to disrupt RNA splicing. Variants that disrupt the donor or acceptor splice site typically lead to a loss of protein function (PMID: 16199547), and loss-of-function variants in PIGN are known to be pathogenic (PMID: 24253414, 27038415). This variant is not present in population databases (ExAC no frequency). This variant has not been reported in the literature in individuals affected with PIGN-related conditions. Algorithms developed to predict the effect of sequence changes on RNA splicing suggest that this variant may disrupt the consensus splice site.

Literature cited by the submitters: PubMed 16199547; PubMed 24253414; PubMed 27038415.